The following is an entry in ClinVar:

ClinVar aggregate classification (germline): Uncertain significance (1 of 4 stars; one submission).

Submission:

Dasa
Classification: Uncertain significance. Last evaluated: 2026-01-06. Review status: criteria provided, single submitter. Criteria: DASA Assertion Criteria. Collection method: clinical testing. Allele origin: germline.
Comment: NM_001184880.2(PCDH19):c.1759G>T (p.Val587Leu) is a missense variant that results in the substitution of valine with leucine. This variant is rare in population databases. The currently available literature and clinical evidence are not sufficient to establish a definitive association between this variant and the reported condition. Therefore, this variant is classified as a variant of uncertain significance.

NM_001184880.2(PCDH19):c.1759G>T (p.Val587Leu)

Gene: PCDH19 (protocadherin 19; minus strand). Cytogenetic location: Xq22.1.
Variant type: single nucleotide variant.
Coding change: c.1759G>T on transcript NM_001184880.2 (MANE Select); coding-DNA position 1759, G replaced by T.
Protein change: p.Val587Leu; replaces valine 587 with leucine.
Molecular consequence: missense variant.
Genome position (GRCh38, 1-based): chrX:100,406,839, C>A on the plus strand (G>T on the coding strand, the complement: PCDH19 is on the minus strand). VCF-style: chrX-100406839-C-A. GRCh37 (hg19) VCF-style: chrX-99661837-C-A.
Other names: c.1759G>T, p.Val587Leu (NM_001105243.2, NM_020766.3); short protein forms V587L.
Identifiers: ClinVar variation 4882335 (VCV004882335.2).